The following is an entry in ClinVar:

NM_000540.3(RYR1):c.13515-11C>G

Gene: RYR1 (ryanodine receptor 1; plus strand). Cytogenetic location: 19q13.2.
Variant type: single nucleotide variant.
Coding change: c.13515-11C>G on transcript NM_000540.3 (MANE Select); 11 bases into the intron before coding-DNA position 13515, C replaced by G.
Molecular consequence: intron variant.
Genome position (GRCh38, 1-based): chr19:38,567,762, C>G. VCF-style: chr19-38567762-C-G. GRCh37 (hg19) VCF-style: chr19-39058402-C-G.
Other names: c.13500-11C>G (NM_001042723.2).
Identifiers: ClinVar variation 3071323 (VCV003071323.1), dbSNP rs1973510953, ClinGen allele CA2584909770.
Genomic context (GRCh38, chr19:38,567,762, plus strand): 5'-GGTTTTGAATGAATGAACTCATGCATTGCCTGCCCAGGCACCTCCTGACCTCTCTCTGTC[C>G]TGCCCTGCAGTGCCGAGAATGGGGAGAAGGAAGAAGTTCCCGAGCCCACACCAGAGCCCC-3'

ClinVar aggregate classification (germline): Uncertain significance (1 of 4 stars; one submission).

Conditions:
Malignant hyperthermia, susceptibility to, 1 (MHS1). Also called: Anesthesia related hyperthermia; Malignant hyperpyrexia; Fulminating hyperpyrexia; Pharmacogenic myopathy; RYR1-Related Malignant Hyperthermia Susceptibility; Malignant hyperthermia suceptibility 1. Identifiers: Orphanet 423, MedGen C2930980, MONDO:0007783, OMIM 145600.

Allele frequency attached by ClinVar (database versions not stated): gnomAD exomes below 0.00001.
gnomAD v4.1: 1 of 1,614,214 alleles (0.000062%); highest among the groups gnomAD compares: Non-Finnish European, 0.000085%; no homozygotes.

Submission:

All of Us Research Program, National Institutes of Health
Classification: Uncertain significance for Malignant hyperthermia, susceptibility to, 1. Last evaluated: 2023-05-30. Review status: criteria provided, single submitter. Criteria: ACMG Guidelines, 2015. Collection method: clinical testing. Allele origin: germline. Inheritance: Autosomal dominant inheritance. Observed: 1 variant allele, 1 heterozygote.
Comment: This variant causes a C to G nucleotide substitution at the -11 position of intron 92 of the RYR1 gene. To our knowledge, functional studies have not been reported for this variant. This variant has not been reported in individuals affected with RYR1-related disorders in the literature. This variant has not been identified in the general population by the Genome Aggregation Database (gnomAD). The available evidence is insufficient to determine the role of this variant in disease conclusively. Therefore, this variant is classified as a Variant of Uncertain Significance.

This study involves interpretation of variants in research participants for the purpose of population health screening. Participant phenotype was not available at the time of variant classification. Additional details can be found in publication PMID: 35346344, PMCID: PMC8962531